The following is an entry in ClinVar:

NM_033100.4(CDHR1):c.2041-6T>C

Gene: CDHR1 (cadherin related family member 1; plus strand). Cytogenetic location: 10q23.1.
Variant type: single nucleotide variant.
Coding change: c.2041-6T>C on transcript NM_033100.4 (MANE Select); 6 bases into the intron before coding-DNA position 2041, T replaced by C.
Molecular consequence: intron variant.
Genome position (GRCh38, 1-based): chr10:84,214,076, T>C. VCF-style: chr10-84214076-T-C. GRCh37 (hg19) VCF-style: chr10-85973832-T-C.
Other names: c.2040+728T>C (NM_001171971.3).
Identifiers: ClinVar variation 1445664 (VCV001445664.3), dbSNP rs1242252406, ClinGen allele CA669228079.
Genomic context (GRCh38, chr10:84,214,076, plus strand): 5'-TACCTACTCTGTACTCCAGGGACCAGGTGGGAACAGCTGAGTGCAGGGAGTGGCTTTCTC[T>C]TTCAGACCCTCTCCCGGAGCCCCATGGCTGCCTTCCTGATACAGACCAAGGACAACCCCA-3'

ClinVar aggregate classification (germline): Uncertain significance (1 of 4 stars; one submission).

Allele frequency attached by ClinVar (database versions not stated): gnomAD exomes below 0.00001.
gnomAD v4.1: 2 of 1,614,178 alleles (0.00012%); highest among the groups gnomAD compares: African/African-American, 0.0027%; no homozygotes.

Submission:

Labcorp Genetics (formerly Invitae), Labcorp
Classification: Uncertain significance. Last evaluated: 2021-11-15. Review status: criteria provided, single submitter. Criteria: Invitae Variant Classification Sherloc (09022015). Collection method: clinical testing. Allele origin: germline.
Comment: This sequence change falls in intron 16 of the CDHR1 gene. It does not directly change the encoded amino acid sequence of the CDHR1 protein. This variant is not present in population databases (gnomAD no frequency). This variant has not been reported in the literature in individuals affected with CDHR1-related conditions. Algorithms developed to predict the effect of sequence changes on RNA splicing suggest that this variant may disrupt the consensus splice site. In summary, the available evidence is currently insufficient to determine the role of this variant in disease. Therefore, it has been classified as a Variant of Uncertain Significance.